The following is an entry in ClinVar:

NM_004004.6(GJB2):c.248_*825del (p.Phe83fs)

Gene: GJB2 (gap junction protein beta 2; minus strand). Cytogenetic location: 13q12.11.
Variant type: Deletion.
Coding change: c.248_*825del on transcript NM_004004.6 (MANE Select); coding-DNA position 248 through 825 bases downstream of the stop codon, 1,259 bases deleted.
Protein change: p.Phe83fs; shifts the reading frame from phenylalanine 83.
Molecular consequence: frameshift variant.
Genome position (GRCh38, 1-based): chr13:20,188,076-20,189,334, 1,259 bases deleted. GRCh37 (hg19): chr13:20,762,216-20,763,474.
Other names: p.(Phe83Cysfs*5); short protein forms F83fs.
Identifiers: ClinVar variation 3069173 (VCV003069173.3).

ClinVar aggregate classification (germline): Likely pathogenic (1 of 4 stars; one submission).

Conditions:
Nonsyndromic genetic hearing loss. Also called: Nonsyndromic hearing loss and deafness; Nonsyndromic genetic deafness; Non-syndromic genetic deafness. Identifiers: Orphanet 87884, MedGen C5680182, MONDO:0019497.

Submission:

Dr. Hideyo Noguchi Regional Research Center, Autonomous University of Yucatán
Classification: Likely pathogenic for Nonsyndromic genetic hearing loss. Last evaluated: 2024-03-13. Review status: criteria provided, single submitter. Criteria: ClinGen HL ACMG Specifications v1. Collection method: research. Allele origin: germline. Inheritance: Autosomal recessive inheritance. Affected: yes and no. Observed: 6 variant alleles, 4 heterozygotes, 3 homozygotes. Clinical features observed: Hearing impairment (HP:0000365).
Comment: Based on ACMG/AMP guidelines and Hearing Loss Expert Panel specific criteria: The p.(Phe83Cysfs*5) variant has not been reported to date in population databases, reported for the first time in a Mexican family with Mayan ancestry, being found homozygous in three brothers with congenital hearing loss and heterosigosis in both hearing parents and two hearing brothers; meeting the PM2 criteria. The p.(Phe83Cysfs*5) variant in GJB2 is predicted to cause a premature stop codon in the only exon of the gene, leading to absent protein in a gene in which loss-of-function is an established mechanism (PVS1). In summary, this variant meets criteria to be classified as Likely pathogenic for autosomal recessive nonsyndromic hearing loss based on the ACMG/AMP criteria applied: PM2 and PVS1.

Literature cited by the submitters: DOI 10.3390/audiolres15050111.